The following is an entry in ClinVar:

NM_001369.3(DNAH5):c.5923G>C (p.Gly1975Arg)

Gene: DNAH5 (dynein axonemal heavy chain 5; minus strand). Cytogenetic location: 5p15.2.
Variant type: single nucleotide variant.
Coding change: c.5923G>C on transcript NM_001369.3 (MANE Select); coding-DNA position 5923, G replaced by C.
Protein change: p.Gly1975Arg; replaces glycine 1975 with arginine.
Molecular consequence: missense variant.
Genome position (GRCh38, 1-based): chr5:13,830,735, C>G on the plus strand (G>C on the coding strand, the complement: DNAH5 is on the minus strand). VCF-style: chr5-13830735-C-G. GRCh37 (hg19) VCF-style: chr5-13830844-C-G.
Other names: short protein forms G1975R.
Identifiers: ClinVar variation 407239 (VCV000407239.2), dbSNP rs752901859, ClinGen allele CA3203528.

ClinVar aggregate classification (germline): Uncertain significance (1 of 4 stars; one submission).

Conditions:
Primary ciliary dyskinesia. Also called: Ciliary dyskinesia. Identifiers: Orphanet 244, MedGen C0008780, MONDO:0016575, HP:0012265.

Allele frequency attached by ClinVar (database versions not stated): gnomAD exomes below 0.00001 and 0.00001; ExAC 0.00001; gnomAD 0.00001; TOPMed 0.00002.
gnomAD v4.1: 6 of 1,614,042 alleles (0.00037%); highest among the groups gnomAD compares: Admixed American, 0.005%; no homozygotes.

Submission:

Labcorp Genetics (formerly Invitae), Labcorp
Classification: Uncertain significance for Primary ciliary dyskinesia. Last evaluated: 2021-12-28. Review status: criteria provided, single submitter. Criteria: Invitae Variant Classification Sherloc (09022015). Collection method: clinical testing. Allele origin: germline.
Comment: This sequence change replaces glycine, which is neutral and non-polar, with arginine, which is basic and polar, at codon 1975 of the DNAH5 protein (p.Gly1975Arg). This variant is present in population databases (rs752901859, gnomAD 0.006%). This missense change has been observed in individual(s) with clinical features of DNAH5-related conditions (Invitae). ClinVar contains an entry for this variant (Variation ID: 407239). Algorithms developed to predict the effect of missense changes on protein structure and function are either unavailable or do not agree on the potential impact of this missense change (SIFT: "Deleterious"; PolyPhen-2: "Probably Damaging"; Align-GVGD: "Class C0"). In summary, the available evidence is currently insufficient to determine the role of this variant in disease. Therefore, it has been classified as a Variant of Uncertain Significance.